The following is an entry in ClinVar:

ClinVar aggregate classification (germline): Conflicting classifications of pathogenicity. Review status: criteria provided, conflicting classifications (1 of 4 stars). 6 submissions from 6 submitters: Uncertain significance (3); Likely benign (3). Last evaluated 2026-02-04.

Conditions:
Jeune thoracic dystrophy. Also called: Infantile thoracic dystrophy; Thoracic pelvic phalangeal dystrophy; Jeune's syndrome; Chondroectodermal dysplasia-like syndrome; Short-rib thoracic dysplasia; Jeune syndrome. Identifiers: Orphanet 474, MedGen C0265275, MONDO:0018770.
Asphyxiating thoracic dystrophy 3. Also called: SHORT-RIB THORACIC DYSPLASIA 3 WITH OR WITHOUT POLYDACTYLY; POLYDACTYLY WITH NEONATAL CHONDRODYSTROPHY, TYPE I; SHORT-RIB THORACIC DYSPLASIA 3/6 WITH POLYDACTYLY, DIGENIC; Short rib polydactyly syndrome 2B; Saldino-Noonan Syndrome. Identifiers: Orphanet 474, Orphanet 93269, Orphanet 93270, Orphanet 93271, MedGen C0036069, MONDO:0013127, OMIM 613091.

Allele frequency attached by ClinVar (database versions not stated): ESP Exome Variant Server 0.00017; gnomAD 0.00021 and 0.00022; TOPMed 0.00022; ExAC 0.00023; gnomAD exomes 0.00023 and 0.00044.
gnomAD v4.1: 653 of 1,596,504 alleles (0.041%); highest among the groups gnomAD compares: Non-Finnish European, 0.054%; 3 homozygotes.

Submissions (6):

Labcorp Genetics (formerly Invitae), Labcorp
Classification: Likely benign for Jeune thoracic dystrophy. Last evaluated: 2026-02-04. Review status: criteria provided, single submitter. Criteria: Invitae Variant Classification Sherloc (09022015). Collection method: clinical testing. Allele origin: germline.

Blueprint Genetics
Classification: Likely benign. Last evaluated: 2024-10-11. Review status: criteria provided, single submitter. Criteria: ACMG Guidelines, 2015. Collection method: clinical testing. Allele origin: germline.

ARUP Laboratories, Molecular Genetics and Genomics, ARUP Laboratories
Classification: Uncertain significance for Asphyxiating thoracic dystrophy 3. Last evaluated: 2019-10-07. Review status: criteria provided, single submitter. Criteria: ARUP Molecular Germline Variant Investigation Process. Collection method: clinical testing. Allele origin: germline.
Comment: The DYNC2H1 c.10064-7T>A variant (rs376067770), to our knowledge, is not reported in the medical literature but is reported in ClinVar (Variation ID: 302086). This variant is found in the non-Finnish European population with an allele frequency of 0.050% (63/125898 alleles) in the Genome Aggregation Database. This is an intronic variant in a weakly conserved nucleotide, but computational analyses (Alamut v.2.11) predict that this variant may impact splicing by weakening the nearby canonical acceptor splice site. However, without functional studies the effect on splicing is unknown. Due to limited information, the clinical significance of the c.10064-7T>A variant is uncertain at this time.

GeneDx
Classification: Likely benign. Last evaluated: 2019-08-27. Review status: criteria provided, single submitter. Criteria: GeneDx Variant Classification Process June 2021. Collection method: clinical testing. Allele origin: germline. Affected: yes.

Eurofins Ntd Llc (ga)
Classification: Uncertain significance. Last evaluated: 2018-03-02. Review status: criteria provided, single submitter. Criteria: EGL ClinVar v180209 classification definitions. Collection method: clinical testing. Allele origin: germline. Observed: 1 variant allele, 1 heterozygote.

Illumina Laboratory Services, Illumina
Classification: Uncertain significance for Asphyxiating thoracic dystrophy 3. Last evaluated: 2018-01-12. Review status: criteria provided, single submitter. Criteria: ICSL Variant Classification Criteria 13 December 2019. Collection method: clinical testing. Allele origin: germline.

NM_001377.3(DYNC2H1):c.10043-7T>A

Gene: DYNC2H1 (dynein cytoplasmic 2 heavy chain 1; plus strand). Cytogenetic location: 11q22.3.
Variant type: single nucleotide variant.
Coding change: c.10043-7T>A on transcript NM_001377.3 (MANE Select); 7 bases into the intron before coding-DNA position 10043, T replaced by A.
Molecular consequence: intron variant.
Genome position (GRCh38, 1-based): chr11:103,253,278, T>A. VCF-style: chr11-103253278-T-A. GRCh37 (hg19) VCF-style: chr11-103124007-T-A.
Other names: c.10064-7T>A (NM_001080463.2).
Identifiers: ClinVar variation 302086 (VCV000302086.28), dbSNP rs376067770, ClinGen allele CA6254876.